The following is an entry in ClinVar:

ClinVar aggregate classification (germline): Likely benign. Review status: criteria provided, multiple submitters, no conflicts (2 of 4 stars). 2 submissions from 2 submitters: Likely benign (2). Last evaluated 2026-07-01.

Conditions:
Fanconi anemia (FA). Also called: Fanconi's anemia. Identifiers: Orphanet 84, MedGen C0015625, MeSH D005199, MONDO:0019391.

Allele frequency attached by ClinVar (database versions not stated): gnomAD exomes 0.00001; TOPMed 0.00001.
gnomAD v4.1: 3 of 1,614,212 alleles (0.00019%); highest among the groups gnomAD compares: Admixed American, 0.005%; no homozygotes.

Submissions (2):

CeGaT Center for Human Genetics Tuebingen
Classification: Likely benign. Last evaluated: 2026-07-01. Review status: criteria provided, single submitter. Criteria: CeGaT Center For Human Genetics Tuebingen Variant Classification Criteria Version 2. Collection method: clinical testing. Allele origin: germline. Affected: yes. Observed: 1 variant allele.
Comment: SLX4: BP4, BP7

Labcorp Genetics (formerly Invitae), Labcorp
Classification: Likely benign for Fanconi anemia. Last evaluated: 2022-02-24. Review status: criteria provided, single submitter. Criteria: Invitae Variant Classification Sherloc (09022015). Collection method: clinical testing. Allele origin: germline.

NM_032444.4(SLX4):c.5097T>A (p.Ser1699=)

Gene: SLX4 (SLX4 structure-specific endonuclease subunit; minus strand). Cytogenetic location: 16p13.3.
Variant type: single nucleotide variant.
Coding change: c.5097T>A on transcript NM_032444.4 (MANE Select); coding-DNA position 5097, T replaced by A.
Protein change: p.Ser1699=; no amino-acid change (serine 1699 retained).
Molecular consequence: synonymous variant.
Genome position (GRCh38, 1-based): chr16:3,583,153, A>T on the plus strand (T>A on the coding strand, the complement: SLX4 is on the minus strand). VCF-style: chr16-3583153-A-T. GRCh37 (hg19) VCF-style: chr16-3633154-A-T.
Identifiers: ClinVar variation 1582696 (VCV001582696.9), dbSNP rs202099433, ClinGen allele CA493268391.